The following is an entry in ClinVar:

NM_001232.4(CASQ2):c.744T>A (p.Thr248=)

Gene: CASQ2 (calsequestrin 2; minus strand). Cytogenetic location: 1p13.1.
Variant type: single nucleotide variant.
Coding change: c.744T>A on transcript NM_001232.4 (MANE Select); coding-DNA position 744, T replaced by A.
Protein change: p.Thr248=; no amino-acid change (threonine 248 retained).
Molecular consequence: synonymous variant.
Genome position (GRCh38, 1-based): chr1:115,725,547, A>T on the plus strand (T>A on the coding strand, the complement: CASQ2 is on the minus strand). VCF-style: chr1-115725547-A-T. GRCh37 (hg19) VCF-style: chr1-116268168-A-T.
Identifiers: ClinVar variation 1879091 (VCV001879091.29), dbSNP rs2464889213, ClinGen allele CA419895926.

ClinVar aggregate classification (germline): Likely benign (1 of 4 stars; one submission).

Submission:

CeGaT Center for Human Genetics Tuebingen
Classification: Likely benign. Last evaluated: 2022-11-01. Review status: criteria provided, single submitter. Criteria: CeGaT Center For Human Genetics Tuebingen Variant Classification Criteria Version 2. Collection method: clinical testing. Allele origin: germline. Affected: yes. Observed: 1 variant allele.
Comment: CASQ2: BP4, BP7